The following is an entry in ClinVar:

ClinVar aggregate classification (germline): Uncertain significance (1 of 4 stars; one submission).

Conditions:
Autosomal recessive limb-girdle muscular dystrophy type 2Q (LGMDR17). Also called: MUSCULAR DYSTROPHY, LIMB-GIRDLE, AUTOSOMAL RECESSIVE 17. Identifiers: Orphanet 254361, MedGen C3150989, MONDO:0013390, OMIM 613723.
Epidermolysis bullosa simplex 5B, with muscular dystrophy (EBS5B). Also called: Epidermolysis bullosa simplex with muscular dystrophy; EPIDERMOLYSIS BULLOSA SIMPLEX AND LIMB-GIRDLE MUSCULAR DYSTROPHY. Identifiers: Orphanet 257, MedGen C2931072, MONDO:0009181, OMIM 226670.
Epidermolysis bullosa simplex, Ogna type (EBS5A). Also called: Pidermolysis bullosa simplex 5A, Ogna type; EPIDERMOLYSIS BULLOSA SIMPLEX 5A, OGNA TYPE. Identifiers: Orphanet 79401, MedGen C0432317, MONDO:0007555, OMIM 131950.
Epidermolysis bullosa simplex 5C, with pyloric atresia (EBS5C). Also called: PLEC1-Related Epidermolysis Bullosa with Pyloric Atresia; Epidermolysis bullosa simplex with pyloric atresia; PLEC-Related Epidermolysis Bullosa with Pyloric Atresia. Identifiers: Orphanet 158684, MedGen C2677349, MONDO:0012807, OMIM 612138.
Epidermolysis bullosa simplex with nail dystrophy (EBS5D). Identifiers: MedGen C4225309, MONDO:0014661, OMIM 616487.

Allele frequency attached by ClinVar (database versions not stated): gnomAD exomes below 0.00001.

Submission:

Labcorp Genetics (formerly Invitae), Labcorp
Classification: Uncertain significance for Autosomal recessive limb-girdle muscular dystrophy type 2Q; Epidermolysis bullosa simplex, Ogna type; Epidermolysis bullosa simplex with nail dystrophy; Epidermolysis bullosa simplex 5C, with pyloric atresia; Epidermolysis bullosa simplex 5B, with muscular dystrophy. Last evaluated: 2019-12-11. Review status: criteria provided, single submitter. Criteria: Invitae Variant Classification Sherloc (09022015). Collection method: clinical testing. Allele origin: germline.
Comment: This sequence change replaces glycine with serine at codon 494 of the PLEC protein (p.Gly494Ser). The glycine residue is moderately conserved and there is a small physicochemical difference between glycine and serine. This variant is not present in population databases (ExAC no frequency). This variant has not been reported in the literature in individuals with PLEC-related conditions. Algorithms developed to predict the effect of missense changes on protein structure and function are either unavailable or do not agree on the potential impact of this missense change (SIFT: "Tolerated"; PolyPhen-2: "Not Available"; Align-GVGD: "Class C0"). In summary, the available evidence is currently insufficient to determine the role of this variant in disease. Therefore, it has been classified as a Variant of Uncertain Significance.

NM_201384.3(PLEC):c.1399G>A (p.Gly467Ser)

Gene: PLEC (plectin; minus strand). Cytogenetic location: 8q24.3.
Variant type: single nucleotide variant.
Coding change: c.1399G>A on transcript NM_201384.3 (MANE Select); coding-DNA position 1399, G replaced by A.
Protein change: p.Gly467Ser; replaces glycine 467 with serine.
Molecular consequence: missense variant.
Genome position (GRCh38, 1-based): chr8:143,933,216, C>T on the plus strand (G>A on the coding strand, the complement: PLEC is on the minus strand). VCF-style: chr8-143933216-C-T. GRCh37 (hg19) VCF-style: chr8-145007384-C-T.
Other names: c.1480G>A, p.Gly494Ser (NM_000445.5); c.1357G>A, p.Gly453Ser (NM_201378.4); c.1333G>A, p.Gly445Ser (NM_201379.3); c.1810G>A, p.Gly604Ser (NM_201380.4); c.1303G>A, p.Gly435Ser (NM_201381.3); c.1399G>A, p.Gly467Ser (NM_201382.4); c.1411G>A, p.Gly471Ser (NM_201383.3); short protein forms G453S, G604S, G445S, G471S, G435S, G467S, G494S.
Identifiers: ClinVar variation 853564 (VCV000853564.7), dbSNP rs996808279, ClinGen allele CA187622304.
Genomic context (GRCh38, chr8:143,933,216, plus strand): 5'-CGTGTGTACCTGGGCTTCAGGGAGGGCAGGGCGGGGCCCACCTGCGGTACATCTGCTCGC[C>T]CTGCGGGTGCCGTCCATCCTTGAGGGTCTGCACGTCGTTGAAGAGCAGCCGGATCATGCT-3'
Protein context (NP_958786.1, residues 457-477): QTLKDGRHPQ[Gly467Ser]EQMYRRVYRL